The following is an entry in ClinVar:

NM_004168.4(SDHA):c.411T>G (p.Asp137Glu)

Gene: SDHA (succinate dehydrogenase complex flavoprotein subunit A; plus strand). Cytogenetic location: 5p15.33.
Variant type: single nucleotide variant.
Coding change: c.411T>G on transcript NM_004168.4 (MANE Select); coding-DNA position 411, T replaced by G.
Protein change: p.Asp137Glu; replaces aspartic acid 137 with glutamic acid.
Molecular consequence: missense variant. On other transcripts: intron variant (1).
Genome position (GRCh38, 1-based): chr5:225,517, T>G. VCF-style: chr5-225517-T-G. GRCh37 (hg19) VCF-style: chr5-225632-T-G.
Other names: c.411T>G, p.Asp137Glu (NM_001330758.2); c.313-366T>G (NM_001294332.2); short protein forms D137E.
Identifiers: ClinVar variation 1480686 (VCV001480686.10), dbSNP rs1444399160, ClinGen allele CA359009540.

ClinVar aggregate classification (germline): Uncertain significance. Review status: criteria provided, multiple submitters, no conflicts (2 of 4 stars). 3 submissions from 3 submitters: Uncertain significance (3). Last evaluated 2025-04-22.

Conditions:
Hereditary cancer-predisposing syndrome. Also called: Neoplastic Syndromes, Hereditary; Hereditary Cancer Syndrome; Hereditary neoplastic syndrome; Tumor predisposition. Identifiers: Orphanet 140162, MedGen C0027672, MeSH D009386, MONDO:0015356.
Dilated cardiomyopathy 1GG (CMD1GG). Identifiers: Orphanet 154, MedGen C3150898, MONDO:0013339, OMIM 613642.
Mitochondrial complex II deficiency, nuclear type 1. Also called: SUCCINATE CoQ REDUCTASE DEFICIENCY. Identifiers: Orphanet 3208, MedGen C5700310, MONDO:0100294, OMIM 252011.
Pheochromocytoma/paraganglioma syndrome 5. Also called: Paragangliomas 5; SDHA-Related Hereditary Paraganglioma-Pheochromocytoma Syndrome. Identifiers: Orphanet 29072, MedGen C3279992, MONDO:0013602, OMIM 614165.

Submissions (3):

Ambry Genetics
Classification: Uncertain significance for Hereditary cancer-predisposing syndrome. Last evaluated: 2025-04-22. Review status: criteria provided, single submitter. Criteria: Ambry Variant Classification Scheme 2023. Collection method: clinical testing. Allele origin: germline.
Comment: The p.D137E variant (also known as c.411T>G), located in coding exon 4 of the SDHA gene, results from a T to G substitution at nucleotide position 411. The aspartic acid at codon 137 is replaced by glutamic acid, an amino acid with highly similar properties. This amino acid position is highly conserved in available vertebrate species. In addition, the in silico prediction for this alteration is inconclusive. Based on the available evidence, the clinical significance of this variant remains unclear.

Labcorp Genetics (formerly Invitae), Labcorp
Classification: Uncertain significance for Pheochromocytoma/paraganglioma syndrome 5; Mitochondrial complex II deficiency, nuclear type 1. Last evaluated: 2024-07-23. Review status: criteria provided, single submitter. Criteria: Invitae Variant Classification Sherloc (09022015). Collection method: clinical testing. Allele origin: germline.
Comment: This sequence change replaces aspartic acid, which is acidic and polar, with glutamic acid, which is acidic and polar, at codon 137 of the SDHA protein (p.Asp137Glu). This variant is not present in population databases (gnomAD no frequency). This variant has not been reported in the literature in individuals affected with SDHA-related conditions. ClinVar contains an entry for this variant (Variation ID: 1480686). Advanced modeling of protein sequence and biophysical properties (such as structural, functional, and spatial information, amino acid conservation, physicochemical variation, residue mobility, and thermodynamic stability) performed at Invitae indicates that this missense variant is not expected to disrupt SDHA protein function with a negative predictive value of 95%. In summary, the available evidence is currently insufficient to determine the role of this variant in disease. Therefore, it has been classified as a Variant of Uncertain Significance.

Baylor Genetics
Classification: Uncertain significance for Dilated cardiomyopathy 1GG. Last evaluated: 2023-07-01. Review status: criteria provided, single submitter. Criteria: ACMG Guidelines, 2015. Collection method: clinical testing. Allele origin: unknown.